The following is an entry in ClinVar:

ClinVar aggregate classification (germline): Uncertain significance (1 of 4 stars; one submission).

Conditions:
Inborn genetic diseases. Identifiers: MedGen C0950123, MeSH D030342.

Allele frequency attached by ClinVar (database versions not stated): gnomAD exomes below 0.00001; ExAC 0.00003.
gnomAD v4.1: 6 of 1,603,362 alleles (0.00037%); highest among the groups gnomAD compares: East Asian, 0.013%; no homozygotes.

Submission:

Ambry Genetics
Classification: Uncertain significance for Inborn genetic diseases. Last evaluated: 2023-10-10. Review status: criteria provided, single submitter. Criteria: Ambry Variant Classification Scheme 2023. Collection method: clinical testing. Allele origin: germline.
Comment: The c.3162+5G>C intronic alteration consists of a G to C substitution nucleotides after coding exon 26 in the NALCN gene. Based on insufficient or conflicting evidence, the clinical significance of this alteration remains unclear.

NM_052867.4(NALCN):c.3162+5G>C

Gene: NALCN (sodium leak channel, non-selective; minus strand). Cytogenetic location: 13q33.1.
Variant type: single nucleotide variant.
Coding change: c.3162+5G>C on transcript NM_052867.4 (MANE Select); 5 bases into the intron after coding-DNA position 3162, G replaced by C.
Molecular consequence: intron variant.
Genome position (GRCh38, 1-based): chr13:101,100,779, C>G on the plus strand (G>C on the coding strand, the complement: NALCN is on the minus strand). VCF-style: chr13-101100779-C-G. GRCh37 (hg19) VCF-style: chr13-101753130-C-G.
Other names: c.3075+5G>C (NM_001350751.2, NM_001350750.2); c.3162+5G>C (NM_001350749.2); c.3249+5G>C (NM_001350748.2).
Identifiers: ClinVar variation 3174150 (VCV003174150.1), dbSNP rs750504145, ClinGen allele CA7035485.